The following is an entry in ClinVar:

NM_031885.5(BBS2):c.941-2A>G

Gene: BBS2 (Bardet-Biedl syndrome 2; minus strand). Cytogenetic location: 16q13.
Variant type: single nucleotide variant.
Coding change: c.941-2A>G on transcript NM_031885.5 (MANE Select); the canonical splice acceptor site of the intron before coding-DNA position 941, A replaced by G.
Molecular consequence: splice acceptor variant.
Genome position (GRCh38, 1-based): chr16:56,502,458, T>C on the plus strand (A>G on the coding strand, the complement: BBS2 is on the minus strand). VCF-style: chr16-56502458-T-C. GRCh37 (hg19) VCF-style: chr16-56536370-T-C.
Other names: c.941-2A>G (NM_001377456.1).
Identifiers: ClinVar variation 3011632 (VCV003011632.4), dbSNP rs878962682, ClinGen allele CA281481254.

ClinVar aggregate classification (germline): Likely pathogenic. Review status: criteria provided, multiple submitters, no conflicts (2 of 4 stars). 2 submissions from 2 submitters: Likely pathogenic (2). Last evaluated 2024-02-01.

Conditions:
Bardet-Biedl syndrome (BBS). Identifiers: Orphanet 110, MedGen C0752166, MONDO:0015229.
Bardet-Biedl syndrome 2 (BBS2). Identifiers: Orphanet 110, MedGen C2936863, MONDO:0014432, OMIM 615981.

Allele frequency attached by ClinVar (database versions not stated): gnomAD exomes below 0.00001.
gnomAD v4.1: 2 of 1,614,220 alleles (0.00012%); highest among the groups gnomAD compares: South Asian, 0.0022%; no homozygotes.

Submissions (2):

Laboratory of Medical Genetics, National & Kapodistrian University of Athens
Classification: Likely pathogenic for Bardet-Biedl syndrome 2. Last evaluated: 2024-02-01. Review status: criteria provided, single submitter. Criteria: ACMG Guidelines, 2015. Collection method: curation. Allele origin: germline. Affected: no.

Labcorp Genetics (formerly Invitae), Labcorp
Classification: Likely pathogenic for Bardet-Biedl syndrome. Last evaluated: 2023-12-29. Review status: criteria provided, single submitter. Criteria: Invitae Variant Classification Sherloc (09022015). Collection method: clinical testing. Allele origin: germline.
Comment: This sequence change affects an acceptor splice site in intron 8 of the BBS2 gene. It is expected to disrupt RNA splicing. Variants that disrupt the donor or acceptor splice site typically lead to a loss of protein function (PMID: 16199547), and loss-of-function variants in BBS2 are known to be pathogenic (PMID: 11285252, 20177705, 24608809, 26518167). This variant is present in population databases (no rsID available, gnomAD 0.003%). This variant has not been reported in the literature in individuals affected with BBS2-related conditions. Algorithms developed to predict the effect of sequence changes on RNA splicing suggest that this variant may disrupt the consensus splice site. In summary, the currently available evidence indicates that the variant is pathogenic, but additional data are needed to prove that conclusively. Therefore, this variant has been classified as Likely Pathogenic.

Literature cited by the submitters: PubMed 16199547 (cited by Labcorp Genetics (formerly Invitae), Labcorp); PubMed 11285252 (cited by Labcorp Genetics (formerly Invitae), Labcorp); PubMed 20177705 (cited by Labcorp Genetics (formerly Invitae), Labcorp); PubMed 24608809 (cited by Labcorp Genetics (formerly Invitae), Labcorp); PubMed 26518167 (cited by Labcorp Genetics (formerly Invitae), Labcorp).